The following is an entry in ClinVar:

ClinVar aggregate classification (germline): Pathogenic (1 of 4 stars; one submission).

Conditions:
Osteogenesis imperfecta type I (OI1). Also called: Lobstein disease; Classic Non-deforming Osteogenesis Imperfecta with Blue Sclerae; OI, TYPE I; OSTEOGENESIS IMPERFECTA TARDA; OSTEOGENESIS IMPERFECTA WITH BLUE SCLERAE; Osteogenesis imperfecta type 1. Identifiers: Orphanet 216796, Orphanet 666, MedGen C0023931, MONDO:0008146, OMIM 166200. Disease mechanism: loss of function.

Submission:

Labcorp Genetics (formerly Invitae), Labcorp
Classification: Pathogenic for Osteogenesis imperfecta type I. Last evaluated: 2021-04-19. Review status: criteria provided, single submitter. Criteria: Invitae Variant Classification Sherloc (09022015). Collection method: clinical testing. Allele origin: germline.
Comment: For these reasons, this variant has been classified as Pathogenic. This variant has not been reported in the literature in individuals with COL1A1-related conditions. This variant results in a copy number gain of the genomic region encompassing part of exons 5 and 36 and all of exons 6-35 (c.378_2540dup) of the COL1A1 gene. While the exact position of this variant cannot be determined from the data, sub-genic copy number gains are generally in tandem (PMID: 25640679). This variant is predicted to be out-of-frame, and may result in an absent or disrupted protein product. Loss-of-function variants in COL1A1 are known to be pathogenic (PMID: 7942841, 9295084, 9443882).

Literature cited by the submitters: PubMed 25640679; PubMed 7942841; PubMed 9295084; PubMed 9443882.

NC_000017.10:g.(?_48267381)_(48276680_?)dup

Gene: COL1A1 (collagen type I alpha 1 chain; minus strand). Cytogenetic location: 17q21.33.
Variant type: Duplication.
Identifiers: ClinVar variation 1459222 (VCV001459222.4).